The following is an entry in ClinVar:

ClinVar aggregate classification (germline): Pathogenic/Likely pathogenic. Review status: criteria provided, multiple submitters, no conflicts (2 of 4 stars). 2 submissions from 2 submitters: Pathogenic (1); Likely pathogenic (1). Last evaluated 2022-12-30.

Conditions:
Familial thoracic aortic aneurysm and aortic dissection (TAAD). Also called: Thoracic aortic aneurysms and dissections. Identifiers: Orphanet 91387, MedGen C4707243, MONDO:0019625.
Marfan syndrome (MFS). Also called: Marfan syndrome type 1; Marfan's syndrome; Marfan syndrome, classic; MARFAN SYNDROME, TYPE I; FBN1-Related Marfan Syndrome. Identifiers: Orphanet 284963, Orphanet 558, MedGen C0024796, MONDO:0007947, OMIM 154700.

Submissions (2):

Labcorp Genetics (formerly Invitae), Labcorp
Classification: Pathogenic for Marfan syndrome; Familial thoracic aortic aneurysm and aortic dissection. Last evaluated: 2022-12-30. Review status: criteria provided, single submitter. Criteria: Invitae Variant Classification Sherloc (09022015). Collection method: clinical testing. Allele origin: germline.
Comment: This variant disrupts the p.Cys1646 amino acid residue in FBN1. Other variant(s) that disrupt this residue have been observed in individuals with FBN1-related conditions (PMID: 18087243, 24793577, 31167969; Invitae), which suggests that this may be a clinically significant amino acid residue. For these reasons, this variant has been classified as Pathogenic. This variant affects a cysteine residue in the EGF-like, TGFBP or hybrid motif domains of FBN1. Cysteine residues are believed to be involved in intramolecular disulfide bridges and have been shown to be important for FBN1 protein structure (PMID: 16905551, 19349279). In addition, missense substitutions affecting cysteine residues within these domains are significantly overrepresented among patients with Marfan syndrome (PMID: 16571647, 17701892). Algorithms developed to predict the effect of sequence changes on RNA splicing suggest that this variant may disrupt the consensus splice site. Advanced modeling of protein sequence and biophysical properties (such as structural, functional, and spatial information, amino acid conservation, physicochemical variation, residue mobility, and thermodynamic stability) performed at Invitae indicates that this missense variant is expected to disrupt FBN1 protein function. ClinVar contains an entry for this variant (Variation ID: 1163970). This variant has not been reported in the literature in individuals affected with FBN1-related conditions. This variant is not present in population databases (gnomAD no frequency). This sequence change replaces cysteine, which is neutral and slightly polar, with serine, which is neutral and polar, at codon 1646 of the FBN1 protein (p.Cys1646Ser).

Mayo Clinic Laboratories, Mayo Clinic
Classification: Likely pathogenic. Last evaluated: 2022-02-16. Review status: criteria provided, single submitter. Criteria: ACMG Guidelines, 2015. Collection method: clinical testing. Allele origin: germline. Observed: 2 variant alleles.
Comment: PP3, PM1_strong, PM2_supporting, PM5

Literature cited by the submitters: PubMed 18087243 (cited by Labcorp Genetics (formerly Invitae), Labcorp and Mayo Clinic Laboratories, Mayo Clinic); PubMed 24793577 (cited by Labcorp Genetics (formerly Invitae), Labcorp and Mayo Clinic Laboratories, Mayo Clinic); PubMed 31167969 (cited by Labcorp Genetics (formerly Invitae), Labcorp and Mayo Clinic Laboratories, Mayo Clinic); PubMed 16905551 (cited by Labcorp Genetics (formerly Invitae), Labcorp); PubMed 19349279 (cited by Labcorp Genetics (formerly Invitae), Labcorp); PubMed 16571647 (cited by Labcorp Genetics (formerly Invitae), Labcorp); PubMed 17701892 (cited by Labcorp Genetics (formerly Invitae), Labcorp).

NM_000138.5(FBN1):c.4936T>A (p.Cys1646Ser)

Gene: FBN1 (fibrillin 1; minus strand). Cytogenetic location: 15q21.1.
Variant type: single nucleotide variant.
Coding change: c.4936T>A on transcript NM_000138.5 (MANE Select); coding-DNA position 4936, T replaced by A.
Protein change: p.Cys1646Ser; replaces cysteine 1646 with serine.
Molecular consequence: missense variant.
Genome position (GRCh38, 1-based): chr15:48,465,574, A>T on the plus strand (T>A on the coding strand, the complement: FBN1 is on the minus strand). VCF-style: chr15-48465574-A-T. GRCh37 (hg19) VCF-style: chr15-48757771-A-T.
Other names: short protein forms C1646S.
Identifiers: ClinVar variation 1163970 (VCV001163970.9), dbSNP rs1064793115, ClinGen allele CA392351064.
Genomic context (GRCh38, chr15:48,465,574, plus strand): 5'-GCAGGTCAGTTCTTGATATCTGCAAGACCTTATCATCCTACCAGGACCATTTACCATCAC[A>T]CACTCGTGTATCTTCATTCAGGTAGTAGCCGGTTGGACAGCGGCACTGGAAACTCCCAAA-3'
Protein context (NP_000129.3, residues 1636-1656): GYYLNEDTRV[Cys1646Ser]DDVNECETPG